The following is an entry in ClinVar:

ClinVar aggregate classification (germline): Uncertain significance (1 of 4 stars; one submission).

Conditions:
Familial thoracic aortic aneurysm and aortic dissection (TAAD). Also called: Thoracic aortic aneurysms and dissections. Identifiers: Orphanet 91387, MedGen C4707243, MONDO:0019625.

Allele frequency attached by ClinVar (database versions not stated): TOPMed below 0.00001; gnomAD 0.00001.

Submission:

Color Diagnostics, LLC DBA Color Health
Classification: Uncertain significance for Familial thoracic aortic aneurysm and aortic dissection. Last evaluated: 2021-11-19. Review status: criteria provided, single submitter. Criteria: ACMG Guidelines, 2015. Collection method: clinical testing. Allele origin: germline.
Comment: This missense variant replaces glutamine with glutamic acid at codon 998 of the COL3A1 protein. Computational prediction suggests that this variant may not impact protein structure and function (internally defined REVEL score threshold <= 0.5, PMID: 27666373). To our knowledge, functional studies have not been reported for this variant. This variant has not been reported in individuals affected with cardiovascular disorders in the literature. This variant has not been identified in the general population by the Genome Aggregation Database (gnomAD). The available evidence is insufficient to determine the role of this variant in disease conclusively. Therefore, this variant is classified as a Variant of Uncertain Significance.

NM_000090.4(COL3A1):c.2992C>G (p.Gln998Glu)

Gene: COL3A1 (collagen type III alpha 1 chain; plus strand). Cytogenetic location: 2q32.2.
Variant type: single nucleotide variant.
Coding change: c.2992C>G on transcript NM_000090.4 (MANE Select); coding-DNA position 2992, C replaced by G.
Protein change: p.Gln998Glu; replaces glutamine 998 with glutamic acid.
Molecular consequence: missense variant.
Genome position (GRCh38, 1-based): chr2:189,005,410, C>G. VCF-style: chr2-189005410-C-G. GRCh37 (hg19) VCF-style: chr2-189870136-C-G.
Other names: short protein forms Q998E.
Identifiers: ClinVar variation 2775137 (VCV002775137.2), dbSNP rs1430637207, ClinGen allele CA349844789.